The following is an entry in ClinVar:

ClinVar aggregate classification (germline): Uncertain significance (1 of 4 stars; one submission).

Conditions:
Primary ciliary dyskinesia. Also called: Ciliary dyskinesia. Identifiers: Orphanet 244, MedGen C0008780, MONDO:0016575, HP:0012265.

Allele frequency attached by ClinVar (database versions not stated): gnomAD exomes below 0.00001; ExAC 0.00001.
gnomAD v4.1: 2 of 1,614,112 alleles (0.00012%); highest among the groups gnomAD compares: Non-Finnish European, 0.00017%; no homozygotes.

Submission:

Labcorp Genetics (formerly Invitae), Labcorp
Classification: Uncertain significance for Primary ciliary dyskinesia. Last evaluated: 2018-11-01. Review status: criteria provided, single submitter. Criteria: Invitae Variant Classification Sherloc (09022015). Collection method: clinical testing. Allele origin: germline.
Comment: This sequence change affects codon 3177 of the DNAH5 mRNA. It is a 'silent' change, meaning that it does not change the encoded amino acid sequence of the DNAH5 protein. This variant is present in population databases (rs764594038, ExAC 0.001%). This variant has not been reported in the literature in individuals with DNAH5-related disease. Algorithms developed to predict the effect of sequence changes on RNA splicing suggest that this variant may create or strengthen a splice site, but this prediction has not been confirmed by published transcriptional studies. In summary, the available evidence is currently insufficient to determine the role of this variant in disease. Therefore, it has been classified as a Variant of Uncertain Significance.

NM_001369.3(DNAH5):c.9531A>G (p.Ser3177=)

Gene: DNAH5 (dynein axonemal heavy chain 5; minus strand). Cytogenetic location: 5p15.2.
Variant type: single nucleotide variant.
Coding change: c.9531A>G on transcript NM_001369.3 (MANE Select); coding-DNA position 9531, A replaced by G.
Protein change: p.Ser3177=; no amino-acid change (serine 3177 retained).
Molecular consequence: synonymous variant.
Genome position (GRCh38, 1-based): chr5:13,770,823, T>C on the plus strand (A>G on the coding strand, the complement: DNAH5 is on the minus strand). VCF-style: chr5-13770823-T-C. GRCh37 (hg19) VCF-style: chr5-13770932-T-C.
Identifiers: ClinVar variation 664707 (VCV000664707.1), dbSNP rs764594038, ClinGen allele CA3202525.